The following is an entry in ClinVar:

NM_006343.3(MERTK):c.2507G>A (p.Cys836Tyr)

Gene: MERTK (MER proto-oncogene, tyrosine kinase; plus strand). Cytogenetic location: 2q13.
Variant type: single nucleotide variant.
Coding change: c.2507G>A on transcript NM_006343.3 (MANE Select); coding-DNA position 2507, G replaced by A.
Protein change: p.Cys836Tyr; replaces cysteine 836 with tyrosine.
Molecular consequence: missense variant.
Genome position (GRCh38, 1-based): chr2:112,028,371, G>A. VCF-style: chr2-112028371-G-A. GRCh37 (hg19) VCF-style: chr2-112785948-G-A.
Other names: short protein forms C836Y.
Identifiers: ClinVar variation 813190 (VCV000813190.14), dbSNP rs1677512620, ClinGen allele CA348242212.

ClinVar aggregate classification (germline): Conflicting classifications of pathogenicity. Review status: criteria provided, conflicting classifications (1 of 4 stars). 2 submissions from 2 submitters: Pathogenic (1); Uncertain significance (1). Last evaluated 2024-12-01.

Conditions:
Retinitis pigmentosa (RP). Identifiers: Orphanet 791, MedGen C0035334, MeSH D012174, MONDO:0019200, OMIM 268000. Inheritance: Autosomal dominant, autosomal recessive and X linked inheritance.

Allele frequency attached by ClinVar (database versions not stated): TOPMed below 0.00001.
gnomAD v4.1: 4 of 1,614,178 alleles (0.00025%); highest among the groups gnomAD compares: Non-Finnish European, 0.00034%; no homozygotes.

Submissions (2):

CeGaT Center for Human Genetics Tuebingen
Classification: Uncertain significance. Last evaluated: 2024-12-01. Review status: criteria provided, single submitter. Criteria: CeGaT Center For Human Genetics Tuebingen Variant Classification Criteria Version 2. Collection method: clinical testing. Allele origin: germline. Affected: yes. Observed: 1 variant allele.
Comment: MERTK: PM2, PM3

Molecular Genetics Laboratory, Institute for Ophthalmic Research
Classification: Pathogenic for Retinitis pigmentosa. Last evaluated: 2020-01-09. Review status: criteria provided, single submitter. Criteria: ACMG Guidelines, 2015. Collection method: research. Allele origin: germline. Affected: yes.